The following is an entry in ClinVar:

ClinVar aggregate classification (germline): Conflicting classifications of pathogenicity. Review status: criteria provided, conflicting classifications (1 of 4 stars). 3 submissions from 3 submitters: Uncertain significance (2); Benign (1). Last evaluated 2025-10-28.

Conditions:
Fanconi anemia complementation group O. Also called: RAD51C-Related Fanconi Anemia. Identifiers: Orphanet 84, MedGen C3150653, MONDO:0013248, OMIM 613390.
Breast and/or ovarian cancer. Identifiers: MedGen CN221562.
Hereditary cancer-predisposing syndrome. Also called: Tumor predisposition; Hereditary neoplastic syndrome; Neoplastic Syndromes, Hereditary; Hereditary Cancer Syndrome. Identifiers: Orphanet 140162, MedGen C0027672, MeSH D009386, MONDO:0015356.

Submissions (3):

Ambry Genetics
Classification: Benign for Hereditary cancer-predisposing syndrome. Last evaluated: 2025-10-28. Review status: criteria provided, single submitter. Criteria: Ambry Variant Classification Scheme 2023. Collection method: clinical testing. Allele origin: germline.

CHEO Genetics Diagnostic Laboratory, Children's Hospital of Eastern Ontario
Classification: Uncertain significance for Breast and/or ovarian cancer. Last evaluated: 2023-06-29. Review status: criteria provided, single submitter. Criteria: ACMG Guidelines, 2015. Collection method: clinical testing. Allele origin: germline.

Labcorp Genetics (formerly Invitae), Labcorp
Classification: Uncertain significance for Fanconi anemia complementation group O. Last evaluated: 2022-09-22. Review status: criteria provided, single submitter. Criteria: Invitae Variant Classification Sherloc (09022015). Collection method: clinical testing. Allele origin: germline.
Comment: In summary, the available evidence is currently insufficient to determine the role of this variant in disease. Therefore, it has been classified as a Variant of Uncertain Significance. This sequence change replaces aspartic acid, which is acidic and polar, with asparagine, which is neutral and polar, at codon 171 of the RAD51C protein (p.Asp171Asn). This variant is not present in population databases (gnomAD no frequency). This variant has not been reported in the literature in individuals affected with RAD51C-related conditions. ClinVar contains an entry for this variant (Variation ID: 1381967). Algorithms developed to predict the effect of missense changes on protein structure and function (SIFT, PolyPhen-2, Align-GVGD) all suggest that this variant is likely to be tolerated.

NM_058216.3(RAD51C):c.511G>A (p.Asp171Asn)

Gene: RAD51C (RAD51 paralog C; plus strand). Cytogenetic location: 17q22.
Variant type: single nucleotide variant.
Coding change: c.511G>A on transcript NM_058216.3 (MANE Select); coding-DNA position 511, G replaced by A.
Protein change: p.Asp171Asn; replaces aspartic acid 171 with asparagine.
Molecular consequence: missense variant.
Genome position (GRCh38, 1-based): chr17:58,696,799, G>A. VCF-style: chr17-58696799-G-A. GRCh37 (hg19) VCF-style: chr17-56774160-G-A.
Other names: short protein forms D171N.
Identifiers: ClinVar variation 1381967 (VCV001381967.10), dbSNP rs2143747843, ClinGen allele CA400345006.